The following is an entry in ClinVar:

NM_000548.5(TSC2):c.2467C>G (p.Leu823Val)

Gene: TSC2 (TSC complex subunit 2; plus strand). Cytogenetic location: 16p13.3.
Variant type: single nucleotide variant.
Coding change: c.2467C>G on transcript NM_000548.5 (MANE Select); coding-DNA position 2467, C replaced by G.
Protein change: p.Leu823Val; replaces leucine 823 with valine.
Molecular consequence: missense variant.
Genome position (GRCh38, 1-based): chr16:2,074,311, C>G. VCF-style: chr16-2074311-C-G. GRCh37 (hg19) VCF-style: chr16-2124312-C-G.
Other names: c.2467C>G, p.Leu823Val (NM_001077183.3, NM_001114382.3, NM_001363528.2 and 6 more transcripts); c.2356C>G, p.Leu786Val (NM_001318827.2, NM_001406670.1, NM_001406678.1); c.2320C>G, p.Leu774Val (NM_001318829.2, NM_001406675.1, NM_001406676.1 and 1 more transcripts); c.1867C>G, p.Leu623Val (NM_001318831.2, NM_001406680.1, NM_001406682.1 and 6 more transcripts); c.2500C>G, p.Leu834Val (NM_001318832.2); c.2557C>G, p.Leu853Val (NM_001406667.1, NM_001406668.1); c.2455C>G, p.Leu819Val (NM_001406671.1, NM_001406673.1); c.2410C>G, p.Leu804Val (NM_001406677.1); and 3 more; short protein forms L669V, L774V, L786V, L804V, L819V, L823V, L375V, L289V.
Identifiers: ClinVar variation 1791703 (VCV001791703.2), dbSNP rs554509064, ClinGen allele CA394277602.

ClinVar aggregate classification (germline): Uncertain significance (1 of 4 stars; one submission).

Conditions:
Hereditary cancer-predisposing syndrome. Also called: Hereditary Cancer Syndrome; Hereditary neoplastic syndrome; Tumor predisposition; Neoplastic Syndromes, Hereditary. Identifiers: Orphanet 140162, MedGen C0027672, MeSH D009386, MONDO:0015356.

Submission:

Ambry Genetics
Classification: Uncertain significance for Hereditary cancer-predisposing syndrome. Last evaluated: 2022-08-22. Review status: criteria provided, single submitter. Criteria: Ambry Variant Classification Scheme 2023. Collection method: clinical testing. Allele origin: germline.
Comment: The p.L823V variant (also known as c.2467C>G), located in coding exon 21 of the TSC2 gene, results from a C to G substitution at nucleotide position 2467. The leucine at codon 823 is replaced by valine, an amino acid with highly similar properties. This amino acid position is conserved. In addition, this alteration is predicted to be deleterious by in silico analysis. Since supporting evidence is limited at this time, the clinical significance of this alteration remains unclear.